The following is an entry in ClinVar:

NM_000552.5(VWF):c.1-10T>A

Gene: VWF (von Willebrand factor; minus strand). Cytogenetic location: 12p13.31.
Variant type: single nucleotide variant.
Coding change: c.1-10T>A on transcript NM_000552.5 (MANE Select); 10 bases into the intron before coding-DNA position 1, T replaced by A.
Molecular consequence: intron variant.
Genome position (GRCh38, 1-based): chr12:6,123,206, A>T on the plus strand (T>A on the coding strand, the complement: VWF is on the minus strand). VCF-style: chr12-6123206-A-T. GRCh37 (hg19) VCF-style: chr12-6232372-A-T.
Identifiers: ClinVar variation 1703819 (VCV001703819.1), dbSNP rs1279071719, ClinGen allele CA2580086231.

ClinVar aggregate classification (germline): Uncertain significance (1 of 4 stars; one submission).

Conditions:
von Willebrand disease type 2 (VWD2). Also called: VON WILLEBRAND DISEASE, TYPE 2A/IIE; VON WILLEBRAND DISEASE, TYPE 2CB; VON WILLEBRAND DISEASE, TYPE II; VWD, TYPE 2. Identifiers: Orphanet 166081, Orphanet 903, MedGen C1264040, MONDO:0013304, OMIM 613554.

Submission:

ISTH-SSC Genomics in Thrombosis and Hemostasis, KU Leuven, Center for Molecular and Vascular Biology
Classification: Uncertain significance for von Willebrand disease type 2. Review status: criteria provided, single submitter. Criteria: ACMG Guidelines, 2015. Collection method: clinical testing. Allele origin: germline. Affected: yes. Observed: 1 heterozygote.
Comment: Submitted to GoldVariant by Kathleen Freson, Center for Molecular and Vascular Biology, Leuven, Belgium